The following is an entry in ClinVar:

NM_020693.4(DSCAML1):c.2685C>G (p.Ile895Met)

Gene: DSCAML1 (DS cell adhesion molecule like 1; minus strand). Cytogenetic location: 11q23.3.
Variant type: single nucleotide variant.
Coding change: c.2685C>G on transcript NM_020693.4 (MANE Select); coding-DNA position 2685, C replaced by G.
Protein change: p.Ile895Met; replaces isoleucine 895 with methionine.
Molecular consequence: missense variant.
Genome position (GRCh38, 1-based): chr11:117,480,543, G>C on the plus strand (C>G on the coding strand, the complement: DSCAML1 is on the minus strand). VCF-style: chr11-117480543-G-C. GRCh37 (hg19) VCF-style: chr11-117351258-G-C.
Other names: c.2685C>G, p.Ile895Met (NM_001367904.1); short protein forms I895M.
Identifiers: ClinVar variation 1922831 (VCV001922831.5), dbSNP rs776462433, ClinGen allele CA6296910.
Genomic context (GRCh38, chr11:117,480,543, plus strand): 5'-GCTGTTCCCGTCGAATCGCTGGGTCCAGCGCAGGTTCATGCTCCGGGCCTTCACCTCCCG[G>C]ATCTCCAGCTCTGGGGGGTCGGGGGGCTCTAGGGTGCGGCAGTGGAGGGGAGGGAAGTGA-3'
Protein context (NP_065744.3, residues 885-905): QEPPDPPELE[Ile895Met]REVKARSMNL

ClinVar aggregate classification (germline): Uncertain significance (1 of 4 stars; one submission).

Allele frequency attached by ClinVar (database versions not stated): TOPMed below 0.00001; gnomAD 0.00001; ExAC 0.00003.
gnomAD v4.1: 38 of 1,577,490 alleles (0.0024%); highest among the groups gnomAD compares: Non-Finnish European, 0.0033%; no homozygotes.

Submission:

Labcorp Genetics (formerly Invitae), Labcorp
Classification: Uncertain significance. Last evaluated: 2022-04-22. Review status: criteria provided, single submitter. Criteria: Invitae Variant Classification Sherloc (09022015). Collection method: clinical testing. Allele origin: germline.
Comment: In summary, the available evidence is currently insufficient to determine the role of this variant in disease. Therefore, it has been classified as a Variant of Uncertain Significance. Algorithms developed to predict the effect of missense changes on protein structure and function are either unavailable or do not agree on the potential impact of this missense change (SIFT: "Deleterious"; PolyPhen-2: "Possibly Damaging"; Align-GVGD: "Class C0"). This variant has not been reported in the literature in individuals affected with DSCAML1-related conditions. The frequency data for this variant in the population databases is considered unreliable, as metrics indicate poor data quality at this position in the gnomAD database. This sequence change replaces isoleucine, which is neutral and non-polar, with methionine, which is neutral and non-polar, at codon 955 of the DSCAML1 protein (p.Ile955Met).